The following is an entry in ClinVar:

ClinVar aggregate classification (germline): Uncertain significance (0 of 4 stars; one submission).

Conditions:
CHD1-related disorder. Also called: CHD1-related condition.

Submission:

PreventionGenetics, part of Exact Sciences
Classification: Uncertain significance for CHD1-related condition. Last evaluated: 2023-12-01. Review status: no assertion criteria provided. Collection method: clinical testing. Allele origin: germline.
Comment: The CHD1 c.1388T>C variant is predicted to result in the amino acid substitution p.Phe463Ser. To our knowledge, this variant has not been reported in the literature or in a large population database, indicating this variant is rare. At this time, the clinical significance of this variant is uncertain due to the absence of conclusive functional and genetic evidence.

NM_001270.4(CHD1):c.1388T>C (p.Phe463Ser)

Gene: CHD1 (chromodomain helicase DNA binding protein 1; minus strand). Cytogenetic location: 5q15.
Variant type: single nucleotide variant.
Coding change: c.1388T>C on transcript NM_001270.4 (MANE Select); coding-DNA position 1388, T replaced by C.
Protein change: p.Phe463Ser; replaces phenylalanine 463 with serine.
Molecular consequence: missense variant. On other transcripts: non-coding transcript variant (2).
Genome position (GRCh38, 1-based): chr5:98,897,298, A>G on the plus strand (T>C on the coding strand, the complement: CHD1 is on the minus strand). VCF-style: chr5-98897298-A-G. GRCh37 (hg19) VCF-style: chr5-98233002-A-G.
Other names: c.1388T>C, p.Phe463Ser (NM_001364113.3, NM_001376194.2); short protein forms F463S.
Identifiers: ClinVar variation 3033802 (VCV003033802.2), dbSNP rs2479681935, ClinGen allele CA360519124.